The following is an entry in ClinVar:

NM_001009944.3(PKD1):c.-187G>A

Genes: PKD1 (polycystin 1, transient receptor potential channel interacting; minus strand), LOC130058212 (ATAC-STARR-seq lymphoblastoid silent region 7025; plus strand). Cytogenetic location: 16p13.3.
Variant type: single nucleotide variant.
Coding change: c.-187G>A on transcript NM_001009944.3 (MANE Select); 187 bases upstream of the start codon, G replaced by A.
Molecular consequence: 5 prime UTR variant.
Genome position (GRCh38, 1-based): chr16:2,135,876, C>T on the plus strand (G>A on the coding strand, the complement: PKD1 is on the minus strand). VCF-style: chr16-2135876-C-T. GRCh37 (hg19) VCF-style: chr16-2185877-C-T.
Other names: c.-187G>A (NM_000296.4).
Identifiers: ClinVar variation 997127 (VCV000997127.1), dbSNP rs1304295296, ClinGen allele CA620374674.
Genomic context (GRCh38, chr16:2,135,876, plus strand): 5'-CTGCTGAGCGACGCCCGCTCGGGGCTCGGGGCCAGGCCGCTCCGGGAGCTCGGCCGCCCG[C>T]TCGGACGCTGGCGCTGCAGTGCGGGCCCCGCCGCGGCTCCTCCTCCTCCTCCCCGCGCGG-3'

ClinVar aggregate classification (germline): Likely benign (0 of 4 stars; one submission).

Conditions:
Polycystic kidney disease. Also called: Polycystic kidney dysplasia; Kidney, Polycystic. Identifiers: MedGen C0022680, MeSH D007690, MONDO:0020642, HP:0000113.

Allele frequency attached by ClinVar (database versions not stated): TOPMed 0.00001; gnomAD 0.00002.
gnomAD v4.1: 4 of 223,746 alleles (0.0018%); highest among the groups gnomAD compares: Non-Finnish European, 0.003%; no homozygotes.

Submission:

Department of Pathology and Laboratory Medicine, Sinai Health System
Classification: Likely benign for Polycystic Kidney disease. Review status: no assertion criteria provided. Collection method: clinical testing. Allele origin: unknown. Affected: yes. Study: The Canadian Open Genetics Repository (COGR).
Comment: The PKD1 c.-187G>A variant was not identified in the literature nor was it identified in the dbSNP, ClinVar, Genesight-COGR, ADPKD Mutation Database, PKD1-LOVD (unavailable) databases. The variant was identified in control databases in 1 of 27242 chromosomes at a frequency of 0.00004 in the European Non-Finnish population and not other populations, increasing the likelihood this could be a low frequency benign variant (Genome Aggregation Database Feb 27, 2017). The c.-187G>A variant is not expected to have clinical significance because it is not located in a known consensus splice site.In addition, 1 of 5 in silico or computational prediction software programs (SpliceSiteFinder, MaxEntScan, NNSPLICE, GeneSplicer, HumanSpliceFinder) predict a greater than 10% difference in splicing; this is not very predictive of pathogenicity. In summary, based on the above information the clinical significance of this variant cannot be determined with certainty at this time although we would lean towards a more benign role for this variant. This variant is classified as likely benign.